The following is an entry in ClinVar:

ClinVar aggregate classification (germline): Pathogenic. Review status: criteria provided, multiple submitters, no conflicts (2 of 4 stars). 2 submissions from 2 submitters: Pathogenic (2). Last evaluated 2025-12-05.

Conditions:
Hereditary cancer-predisposing syndrome. Also called: Hereditary Cancer Syndrome; Neoplastic Syndromes, Hereditary; Hereditary neoplastic syndrome; Tumor predisposition. Identifiers: Orphanet 140162, MedGen C0027672, MeSH D009386, MONDO:0015356.

Allele frequency attached by ClinVar (database versions not stated): gnomAD exomes below 0.00001.
gnomAD v4.1: 1 of 1,610,302 alleles (0.000062%); highest among the groups gnomAD compares: Non-Finnish European, 0.000085%; no homozygotes.

Submissions (3):

Ambry Genetics
Classification: Pathogenic for Hereditary cancer-predisposing syndrome. Last evaluated: 2025-12-05. Review status: criteria provided, single submitter. Criteria: Ambry Variant Classification Scheme 2023. Collection method: clinical testing. Allele origin: germline.
Comment: The p.E247* pathogenic mutation (also known as c.739G>T), located in coding exon 6 of the FH gene, results from a G to T substitution at nucleotide position 739. This changes the amino acid from a glutamic acid to a stop codon within coding exon 6. This variant was reported in individual(s) with features consistent with FH-related tumor predisposition (Ambry internal data). This variant is considered to be rare based on population cohorts in the Genome Aggregation Database (gnomAD). This alteration is expected to result in loss of function by premature protein truncation or nonsense-mediated mRNA decay. As such, this alteration is interpreted as a disease-causing mutation.

Labcorp Genetics (formerly Invitae), Labcorp
Classification: Pathogenic. Last evaluated: 2018-03-14. Review status: criteria provided, single submitter. Criteria: Invitae Variant Classification Sherloc (09022015). Collection method: clinical testing. Allele origin: germline.
Comment: This sequence change creates a premature translational stop signal (p.Glu247*) in the FH gene. It is expected to result in an absent or disrupted protein product. This variant is not present in population databases (ExAC no frequency). This variant has not been reported in the literature in individuals with FH-related disease. ClinVar contains an entry for this variant (Variation ID: 429182). Loss-of-function variants in FH are known to be pathogenic (PMID: 11865300, 21398687). For these reasons, this variant has been classified as Pathogenic.

Dr. Peter K. Rogan Lab, Western University
No classification provided (evidence only). Condition: Uterine corpus endometrial carcinoma. Review status: no classification provided. Collection method: in vitro. Allele origin: not applicable. Functional consequence: retained intron. Not counted in ClinVar's aggregate classification.

Literature cited by the submitters: PubMed 11865300 (cited by Labcorp Genetics (formerly Invitae), Labcorp); PubMed 21398687 (cited by Labcorp Genetics (formerly Invitae), Labcorp).

NM_000143.4(FH):c.739G>T (p.Glu247Ter)

Gene: FH (fumarate hydratase; minus strand). Cytogenetic location: 1q43.
Variant type: single nucleotide variant.
Coding change: c.739G>T on transcript NM_000143.4 (MANE Select); coding-DNA position 739, G replaced by T.
Protein change: p.Glu247Ter; replaces glutamic acid 247 with a stop codon.
Molecular consequence: nonsense.
Genome position (GRCh38, 1-based): chr1:241,506,168, C>A on the plus strand (G>T on the coding strand, the complement: FH is on the minus strand). VCF-style: chr1-241506168-C-A. GRCh37 (hg19) VCF-style: chr1-241669468-C-A.
Other names: short protein forms E247*.
Identifiers: ClinVar variation 429182 (VCV000429182.15), dbSNP rs1131691243, ClinGen allele CA345439127.